The following is an entry in ClinVar:

ClinVar aggregate classification (germline): Uncertain significance. Review status: criteria provided, multiple submitters, no conflicts (2 of 4 stars). 4 submissions from 4 submitters: Uncertain significance (4). Last evaluated 2024-11-21.

Conditions:
Inborn genetic diseases. Identifiers: MedGen C0950123, MeSH D030342.

Allele frequency attached by ClinVar (database versions not stated): gnomAD 0.00001; TOPMed 0.00001.
gnomAD v4.1: 2 of 1,613,936 alleles (0.00012%); highest among the groups gnomAD compares: Non-Finnish European, 0.00017%; no homozygotes.

Submissions (4):

Ambry Genetics
Classification: Uncertain significance for Inborn genetic diseases. Last evaluated: 2024-11-21. Review status: criteria provided, single submitter. Criteria: Ambry Variant Classification Scheme 2023. Collection method: clinical testing. Allele origin: germline.
Comment: The p.D360G variant (also known as c.1079A>G), located in coding exon 1 of the SAMD9L gene, results from an A to G substitution at nucleotide position 1079. The aspartic acid at codon 360 is replaced by glycine, an amino acid with similar properties. This amino acid position is conserved. In addition, this alteration is predicted to be tolerated by in silico analysis. Based on the available evidence, the clinical significance of this variant remains unclear.

GeneDx
Classification: Uncertain significance. Last evaluated: 2024-11-01. Review status: criteria provided, single submitter. Criteria: GeneDx Variant Classification Process June 2021. Collection method: clinical testing. Allele origin: germline. Affected: yes.
Comment: Not observed at significant frequency in large population cohorts (gnomAD); In silico analysis indicates that this missense variant does not alter protein structure/function; Has not been previously published as pathogenic or benign to our knowledge

Blueprint Genetics
Classification: Uncertain significance. Last evaluated: 2023-10-26. Review status: criteria provided, single submitter. Criteria: ACMG Guidelines, 2015. Collection method: clinical testing. Allele origin: germline.

Labcorp Genetics (formerly Invitae), Labcorp
Classification: Uncertain significance. Last evaluated: 2023-10-05. Review status: criteria provided, single submitter. Criteria: Invitae Variant Classification Sherloc (09022015). Collection method: clinical testing. Allele origin: germline.
Comment: This sequence change replaces aspartic acid, which is acidic and polar, with glycine, which is neutral and non-polar, at codon 360 of the SAMD9L protein (p.Asp360Gly). This variant is not present in population databases (gnomAD no frequency). This variant has not been reported in the literature in individuals affected with SAMD9L-related conditions. An algorithm developed to predict the effect of missense changes on protein structure and function (PolyPhen-2) suggests that this variant is likely to be tolerated. In summary, the available evidence is currently insufficient to determine the role of this variant in disease. Therefore, it has been classified as a Variant of Uncertain Significance.

NM_152703.5(SAMD9L):c.1079A>G (p.Asp360Gly)

Gene: SAMD9L (sterile alpha motif domain containing 9 like; minus strand). Cytogenetic location: 7q21.2.
Variant type: single nucleotide variant.
Coding change: c.1079A>G on transcript NM_152703.5 (MANE Select); coding-DNA position 1079, A replaced by G.
Protein change: p.Asp360Gly; replaces aspartic acid 360 with glycine.
Molecular consequence: missense variant.
Genome position (GRCh38, 1-based): chr7:93,134,893, T>C on the plus strand (A>G on the coding strand, the complement: SAMD9L is on the minus strand). VCF-style: chr7-93134893-T-C. GRCh37 (hg19) VCF-style: chr7-92764206-T-C.
Other names: c.1079A>G, p.Asp360Gly (NM_001303496.3, NM_001303497.3, NM_001303498.3 and 5 more transcripts); c.1079A>G (NM_152703.2, NM_152703.3); short protein forms D360G.
Identifiers: ClinVar variation 2959071 (VCV002959071.6), dbSNP rs1792347899, ClinGen allele CA368198899.